The following is an entry in ClinVar:

ClinVar aggregate classification (germline): Uncertain significance (1 of 4 stars; one submission).

Conditions:
Autosomal recessive limb-girdle muscular dystrophy type 2L (LGMDR12). Also called: Limb-Girdle Muscular Dystrophy R12 Anoctamin-5-Related (LGMD-R12); MUSCULAR DYSTROPHY, LIMB-GIRDLE, AUTOSOMAL RECESSIVE 12; Limb-girdle muscular dystrophy, type 2L. Identifiers: Orphanet 206549, MedGen C1969785, MONDO:0012652, OMIM 611307.
Gnathodiaphyseal dysplasia (GDD). Also called: GNATHODIAPHYSEAL SCLEROSIS; OSTEOGENESIS IMPERFECTA WITH UNUSUAL SKELETAL LESIONS. Identifiers: Orphanet 53697, MedGen C1833736, MONDO:0008151, OMIM 166260.

Allele frequency attached by ClinVar (database versions not stated): ExAC 0.00001; gnomAD 0.00001; gnomAD exomes 0.00002.
gnomAD v4.1: 26 of 1,613,302 alleles (0.0016%); highest among the groups gnomAD compares: Non-Finnish European, 0.0022%; no homozygotes.

Submission:

Labcorp Genetics (formerly Invitae), Labcorp
Classification: Uncertain significance for Autosomal recessive limb-girdle muscular dystrophy type 2L; Gnathodiaphyseal dysplasia. Last evaluated: 2025-10-05. Review status: criteria provided, single submitter. Criteria: Invitae Variant Classification Sherloc (09022015). Collection method: clinical testing. Allele origin: germline.
Comment: This sequence change replaces serine, which is neutral and polar, with asparagine, which is neutral and polar, at codon 338 of the ANO5 protein (p.Ser338Asn). This variant also falls at the last nucleotide of exon 10, which is part of the consensus splice site for this exon. This variant is present in population databases (rs766507413, gnomAD 0.0009%). This variant has not been reported in the literature in individuals affected with ANO5-related conditions. ClinVar contains an entry for this variant (Variation ID: 2926268). Invitae Evidence Modeling of protein sequence and biophysical properties (such as structural, functional, and spatial information, amino acid conservation, physicochemical variation, residue mobility, and thermodynamic stability) has been performed for this missense variant. However, the output from this modeling did not meet the statistical confidence thresholds required to predict the impact of this variant on ANO5 protein function. Variants that disrupt the consensus splice site are a relatively common cause of aberrant splicing (PMID: 17576681, 9536098). Algorithms developed to predict the effect of sequence changes on RNA splicing suggest that this variant may disrupt the consensus splice site. In summary, the available evidence is currently insufficient to determine the role of this variant in disease. Therefore, it has been classified as a Variant of Uncertain Significance.

Literature cited by the submitters: PubMed 17576681; PubMed 9536098.

NM_213599.3(ANO5):c.1013G>A (p.Ser338Asn)

Gene: ANO5 (anoctamin 5; plus strand). Cytogenetic location: 11p14.3.
Variant type: single nucleotide variant.
Coding change: c.1013G>A on transcript NM_213599.3 (MANE Select); coding-DNA position 1013, G replaced by A.
Protein change: p.Ser338Asn; replaces serine 338 with asparagine.
Molecular consequence: missense variant.
Genome position (GRCh38, 1-based): chr11:22,250,371, G>A. VCF-style: chr11-22250371-G-A. GRCh37 (hg19) VCF-style: chr11-22271917-G-A.
Other names: c.1010G>A, p.Ser337Asn (NM_001142649.2); c.971G>A, p.Ser324Asn (NM_001410963.1); c.968G>A, p.Ser323Asn (NM_001410964.1); short protein forms S323N, S324N, S337N, S338N.
Identifiers: ClinVar variation 2926268 (VCV002926268.3), dbSNP rs766507413, ClinGen allele CA5923089.
Genomic context (GRCh38, chr11:22,250,371, plus strand): 5'-CTGTAGTTGGCTTAGCTTGTTTTATTTATGGCTTATTATCAATGGAACATAACACAAGCA[G>A]GTAAGTGCACCTGAGTTGCCCAGATAGAGAAAACATCTTTATCTTGTGCCAAATGAAGTT-3'
Protein context (NP_998764.1, residues 328-348): GLLSMEHNTS[Ser338Asn]TEICDPEIGG